The following is an entry in ClinVar:

ClinVar aggregate classification (germline): Uncertain significance (1 of 4 stars; one submission).

Conditions:
Primary ciliary dyskinesia. Also called: Ciliary dyskinesia. Identifiers: Orphanet 244, MedGen C0008780, MONDO:0016575, HP:0012265.

Allele frequency attached by ClinVar (database versions not stated): gnomAD exomes 0.00001 and 0.00002; ExAC 0.00002.
gnomAD v4.1: 5 of 1,613,480 alleles (0.00031%); highest among the groups gnomAD compares: Admixed American, 0.0067%; no homozygotes.

Submission:

Labcorp Genetics (formerly Invitae), Labcorp
Classification: Uncertain significance for Primary ciliary dyskinesia. Last evaluated: 2020-02-17. Review status: criteria provided, single submitter. Criteria: Invitae Variant Classification Sherloc (09022015). Collection method: clinical testing. Allele origin: germline.
Comment: This sequence change replaces glycine with arginine at codon 522 of the CCDC40 protein (p.Gly522Arg). The glycine residue is weakly conserved and there is a moderate physicochemical difference between glycine and arginine. This variant is present in population databases (rs764252103, ExAC 0.02%). This variant has not been reported in the literature in individuals with CCDC40-related disease. Algorithms developed to predict the effect of missense changes on protein structure and function (SIFT, PolyPhen-2, Align-GVGD) all suggest that this variant is likely to be tolerated, but these predictions have not been confirmed by published functional studies and their clinical significance is uncertain. In summary, the available evidence is currently insufficient to determine the role of this variant in disease. Therefore, it has been classified as a Variant of Uncertain Significance.

NM_017950.4(CCDC40):c.1564G>A (p.Gly522Arg)

Gene: CCDC40 (coiled-coil domain 40 molecular ruler complex subunit; plus strand). Cytogenetic location: 17q25.3.
Variant type: single nucleotide variant.
Coding change: c.1564G>A on transcript NM_017950.4 (MANE Select); coding-DNA position 1564, G replaced by A.
Protein change: p.Gly522Arg; replaces glycine 522 with arginine.
Molecular consequence: missense variant.
Genome position (GRCh38, 1-based): chr17:80,081,547, G>A. VCF-style: chr17-80081547-G-A. GRCh37 (hg19) VCF-style: chr17-78055346-G-A.
Other names: c.1564G>A, p.Gly522Arg (NM_001243342.2); short protein forms G522R.
Identifiers: ClinVar variation 1061837 (VCV001061837.8), dbSNP rs764252103, ClinGen allele CA8813974.